The following is an entry in ClinVar:

ClinVar aggregate classification (germline): Likely benign (1 of 4 stars; one submission).

Allele frequency attached by ClinVar (database versions not stated): gnomAD 0.00025; ExAC 0.00092; TOPMed 0.00004; gnomAD exomes 0.00038; 1000 Genomes Project 0.00140; 1000 Genomes Project 30x 0.00172.
gnomAD v4.1: 606 of 1,612,596 alleles (0.038%); highest among the groups gnomAD compares: South Asian, 0.59%; 10 homozygotes.

Submission:

CeGaT Center for Human Genetics Tuebingen
Classification: Likely benign. Last evaluated: 2022-12-01. Review status: criteria provided, single submitter. Criteria: CeGaT Center For Human Genetics Tuebingen Variant Classification Criteria Version 2. Collection method: clinical testing. Allele origin: germline. Affected: yes. Observed: 1 variant allele.
Comment: SLC26A5: BS2

NM_206883.3(SLC26A5):c.2042-10423T>C

Genes: PSMC2 (proteasome 26S subunit, ATPase 2; plus strand), SLC26A5 (solute carrier family 26 member 5; minus strand). Cytogenetic location: 7q22.1.
Variant type: single nucleotide variant.
Coding change: c.2042-10423T>C on transcript NM_206883.3; 10423 bases into the intron before coding-DNA position 2042, T replaced by C.
Molecular consequence: intron variant. On other transcripts: synonymous variant (1).
Genome position (GRCh38, 1-based): chr7:103,363,349, A>G on the plus strand (T>C on the coding strand, the complement: SLC26A5 is on the minus strand). VCF-style: chr7-103363349-A-G. GRCh37 (hg19) VCF-style: chr7-103003796-A-G.
Other names: c.501A>G, p.Glu167= (NM_002803.4); c.972-10423T>C (NM_206885.3); c.1946-10423T>C (NM_001321787.2); c.1515-10423T>C (NM_206884.3).
Identifiers: ClinVar variation 2657887 (VCV002657887.22), dbSNP rs567731985, ClinGen allele CA4419092.